The following is an entry in ClinVar:

NM_005802.5(TOPORS):c.1552C>G (p.Gln518Glu)

Gene: TOPORS (TOP1 binding arginine/serine rich protein, E3 ubiquitin ligase; minus strand). Cytogenetic location: 9p21.1.
Variant type: single nucleotide variant.
Coding change: c.1552C>G on transcript NM_005802.5 (MANE Select); coding-DNA position 1552, C replaced by G.
Protein change: p.Gln518Glu; replaces glutamine 518 with glutamic acid.
Molecular consequence: missense variant.
Genome position (GRCh38, 1-based): chr9:32,542,973, G>C on the plus strand (C>G on the coding strand, the complement: TOPORS is on the minus strand). VCF-style: chr9-32542973-G-C. GRCh37 (hg19) VCF-style: chr9-32542971-G-C.
Other names: c.1357C>G, p.Gln453Glu (NM_001195622.2); short protein forms Q518E, Q453E.
Identifiers: ClinVar variation 2101945 (VCV002101945.4), dbSNP rs1238603028, ClinGen allele CA373169438.
Genomic context (GRCh38, chr9:32,542,973, plus strand): 5'-CAGAGTGTGGAGATGAGCATCTACTAACATCGCTATCACCAGAACTGTAAGATTGCTCCT[G>C]TTCTTGTGTCTTCACTGTCTCCATTTTCTCATAAGAACCTAAGTCCTCAGAATCAGAGGA-3'
Protein context (NP_005793.2, residues 508-528): EKMETVKTQE[Gln518Glu]EQSYSSGDSD

ClinVar aggregate classification (germline): Uncertain significance (1 of 4 stars; one submission).

Allele frequency attached by ClinVar (database versions not stated): gnomAD exomes below 0.00001; gnomAD 0.00001; TOPMed 0.00001.
gnomAD v4.1: 2 of 1,614,052 alleles (0.00012%); highest among the groups gnomAD compares: Admixed American, 0.0017%; no homozygotes.

Submission:

Labcorp Genetics (formerly Invitae), Labcorp
Classification: Uncertain significance. Last evaluated: 2024-04-29. Review status: criteria provided, single submitter. Criteria: Invitae Variant Classification Sherloc (09022015). Collection method: clinical testing. Allele origin: germline.
Comment: This sequence change replaces glutamine, which is neutral and polar, with glutamic acid, which is acidic and polar, at codon 518 of the TOPORS protein (p.Gln518Glu). This variant is not present in population databases (gnomAD no frequency). This variant has not been reported in the literature in individuals affected with TOPORS-related conditions. ClinVar contains an entry for this variant (Variation ID: 2101945). An algorithm developed to predict the effect of missense changes on protein structure and function (PolyPhen-2) suggests that this variant is likely to be tolerated. In summary, the available evidence is currently insufficient to determine the role of this variant in disease. Therefore, it has been classified as a Variant of Uncertain Significance.